The following is an entry in ClinVar:

ClinVar aggregate classification (germline): Pathogenic/Likely pathogenic. Review status: criteria provided, multiple submitters, no conflicts (2 of 4 stars). 5 submissions from 5 submitters: Pathogenic (3); Likely pathogenic (1). 1 of the submissions does not count toward it. Last evaluated 2025-03-08.

Conditions:
Hereditary cancer-predisposing syndrome. Also called: Tumor predisposition; Hereditary Cancer Syndrome; Neoplastic Syndromes, Hereditary; Hereditary neoplastic syndrome. Identifiers: Orphanet 140162, MedGen C0027672, MeSH D009386, MONDO:0015356.
Hereditary breast ovarian cancer syndrome. Also called: Breast and ovarian cancer; Hereditary breast and ovarian cancer; Hereditary breast and ovarian cancer syndrome; BRCA1- and BRCA2-Associated Hereditary Breast and Ovarian Cancer; Hereditary breast and ovarian cancer syndrome (HBOC); Hereditary breast and/or ovarian cancer syndrome. Identifiers: Orphanet 145, MedGen C0677776, MeSH D061325, MONDO:0003582. Disease mechanism: loss of function.
Breast-ovarian cancer, familial, susceptibility to, 2 (BROVCA2). Also called: BRCA2 Hereditary Breast and Ovarian Cancer. Identifiers: Orphanet 145, MedGen C2675520, MONDO:0012933, OMIM 612555. Disease mechanism: loss of function.

Submissions (5):

Ambry Genetics
Classification: Likely pathogenic for Hereditary cancer-predisposing syndrome. Last evaluated: 2025-03-08. Review status: criteria provided, single submitter. Criteria: Ambry Variant Classification Scheme 2023. Collection method: clinical testing. Allele origin: germline.
Comment: The c.6859_6863delAGAAA variant, located in coding exon 11 of the BRCA2 gene, results from a deletion of 5 nucleotides at nucleotide positions 6859 to 6863, causing a translational frameshift with a predicted alternate stop codon (p.R2287Lfs*4). This alteration was reported in a cohort of prostate cancer patients (Mitra AV et al. Oncol. Rep. 2010 Feb;23:299-305). This alteration is expected to result in loss of function by premature protein truncation or nonsense-mediated mRNA decay. In a minigene study, this variant had no impact on splicing (Meulemans L et al. Cancer Res. 2020 Apr;80(7):1374-1386). Of note, this variant occurs in an exon that is absent in biologically relevant transcripts (Colombo M et al. Hum. Mol. Genet. 2014 Jul;23:3666-80; Fackenthal JD et al. J. Med. Genet. 2016 08;53:548-58); however similar truncating variants in this exon with no splicing impact have been observed in conjunction with other BRCA2 variants in individuals with Fanconi anemia (Freycon C et al. Clin Genet. 2024 Aug;106(2):193-19; external communication). Based on the majority of available evidence to date, this variant is likely to be pathogenic. However, because similar variants have been identified in patients with Fanconi Anemia, this alteration may be hypomorphic, and thus, carriers of this variant and their families may present with reduced risks, and not with the typical clinical characteristics of a high-risk pathogenic BRCA2 alteration. As risk estimates are unknown at this time, clinical correlation is advised.

Labcorp Genetics (formerly Invitae), Labcorp
Classification: Pathogenic for Hereditary breast ovarian cancer syndrome. Last evaluated: 2024-05-20. Review status: criteria provided, single submitter. Criteria: Invitae Variant Classification Sherloc (09022015). Collection method: clinical testing. Allele origin: germline.
Comment: This sequence change creates a premature translational stop signal (p.Arg2287Leufs*4) in the BRCA2 gene. It is expected to result in an absent or disrupted protein product. Loss-of-function variants in BRCA2 are known to be pathogenic (PMID: 20104584). This variant is present in population databases (rs398122568, gnomAD 0.0009%). This premature translational stop signal has been observed in individual(s) with prostate cancer (PMID: 12474142, 20043088). This variant is also known as 7084delAAAAG and 6856delAAAAG. ClinVar contains an entry for this variant (Variation ID: 91461). Algorithms developed to predict the effect of sequence changes on RNA splicing suggest that this variant may disrupt the consensus splice site. For these reasons, this variant has been classified as Pathogenic.

Women's Health and Genetics/Laboratory Corporation of America, LabCorp
Classification: Pathogenic for Hereditary breast and ovarian cancer syndrome. Last evaluated: 2019-09-08. Review status: criteria provided, single submitter. Criteria: LabCorp Variant Classification Summary - May 2015. Collection method: clinical testing. Allele origin: germline.
Comment: Variant summary: BRCA2 c.6859_6863delAGAAA (p.Arg2287LeufsX4) results in a premature termination codon, predicted to cause a truncation of the encoded protein or absence of the protein due to nonsense mediated decay, which are commonly known mechanisms for disease. Truncations downstream of this position have been classified as pathogenic by our laboratory. The variant allele was found at a frequency of 4.1e-06 in 246146 control chromosomes. c.6859_6863delAGAAA has been reported in the literature as associated with poor survival in at-least one individual affected with Prostate Cancer (Edwards_2003, Mitra_2008, Edwards_2010, Castro_2013). To our knowledge, no experimental evidence demonstrating an impact on protein function has been reported. Two clinical diagnostic laboratories have submitted clinical-significance assessments for this variant to ClinVar after 2014 without evidence for independent evaluation. All laboratories classified the variant as pathogenic. Based on the evidence outlined above, the variant was classified as pathogenic.

GeneDx
Classification: Pathogenic. Last evaluated: 2015-05-04. Review status: criteria provided, single submitter. Criteria: GeneDx Variant Classification (06012015). Collection method: clinical testing. Allele origin: germline. Affected: yes.
Comment: This deletion of 5 nucleotides in BRCA2 is denoted c.6859_6863delAGAAA at the cDNA level and p.Arg2287LeufsX4 (R2287LfsX4) at the protein level. The normal sequence, with the bases that are deleted in braces, is CAAA[AGAAA]CTTA. The deletion causes a frameshift, which changes an Arginine to a Leucine at codon 2287, and creates a premature stop codon at position 4 of the new reading frame. This variant is predicted to cause loss of normal protein function through either protein truncation or nonsense-mediated mRNA decay. Although This variant, also known as BRCA2 7087_7091delAGAAA using alternate nomenclature, has not, to our knowledge, been reported in the literature, the adjacent mutation BRCA2 c.6856delAAAAG, which also results in a frameshift at this residue (p.Arg2287LeufsX4), has been reported in at least one individual with early-onset prostate cancer (Edwards 2003, 2010). we consider this variant to be pathogenic.

Sharing Clinical Reports Project (SCRP)
Classification: Pathogenic for Breast-ovarian cancer, familial 2. Last evaluated: 2008-08-13. Review status: no assertion criteria provided. Collection method: clinical testing. Allele origin: germline. Not counted in ClinVar's aggregate classification.

Literature cited by the submitters: PubMed 20043088 (cited by Ambry Genetics and Labcorp Genetics (formerly Invitae), Labcorp); PubMed 27060066 (cited by Ambry Genetics); PubMed 32046981 (cited by Ambry Genetics); PubMed 20104584 (cited by Labcorp Genetics (formerly Invitae), Labcorp); PubMed 12474142 (cited by Labcorp Genetics (formerly Invitae), Labcorp and Women's Health and Genetics/Laboratory Corporation of America, LabCorp); PubMed 20736950 (cited by Women's Health and Genetics/Laboratory Corporation of America, LabCorp); PubMed 23569316 (cited by Women's Health and Genetics/Laboratory Corporation of America, LabCorp); PubMed 18182994 (cited by Women's Health and Genetics/Laboratory Corporation of America, LabCorp).

NM_000059.4(BRCA2):c.6859_6863del (p.Arg2287fs)

Gene: BRCA2 (BRCA2 DNA repair associated; plus strand). Cytogenetic location: 13q13.1.
Variant type: Deletion.
Coding change: c.6859_6863del on transcript NM_000059.4 (MANE Select); coding-DNA positions 6859 to 6863, 5 bases deleted (AGAAA; older notation c.6859_6863delAGAAA).
Protein change: p.Arg2287fs; shifts the reading frame from arginine 2287.
Molecular consequence: frameshift variant.
Genome position (GRCh38, 1-based): chr13:32,344,575-32,344,579, AGAAA deleted; deleting any 5 consecutive bases within chr13:32,344,572-32,344,579 gives the same sequence; the c. name uses the placement nearest the transcript's 3' end. VCF-style (leftmost placement, unchanged base first): chr13-32344571-CAAAAG-C. GRCh37 (hg19) VCF-style: chr13-32918708-CAAAAG-C.
Other names: 7087del5; c.6859_6863delAGAAA (NM_000059.3).
Identifiers: ClinVar variation 91461 (VCV000091461.21), dbSNP rs398122568, ClinGen allele CA024523.
Genomic context (GRCh38, chr13:32,344,571, plus strand): 5'-ACTGATATTATTTGCCTTAAAAACATATATGAAATATTTCTTTTTAGGAGAACCCTCAAT[CAAAAG>C]AAACTTATTAAATGAATTTGACAGGATAATAGAAAATCAAGAAAAATCCTTAAAGGCTTC-3'